The following is an entry in ClinVar:

ClinVar aggregate classification (germline): Uncertain significance. Review status: criteria provided, multiple submitters, no conflicts (2 of 4 stars). 2 submissions from 2 submitters: Uncertain significance (2). Last evaluated 2025-06-16.

Conditions:
Cardiovascular phenotype. Identifiers: MedGen CN230736.
Primary dilated cardiomyopathy (DCM). Also called: Dilated Cardiomyopathy. Identifiers: Orphanet 217604, MedGen C0007193, MeSH D002311, MONDO:0005021, HP:0001644. Inheritance: Various modes of inheritance.

gnomAD v4.1: 3 of 1,611,764 alleles (0.00019%); highest among the groups gnomAD compares: Non-Finnish European, 0.000085%; no homozygotes.

Submissions (2):

Ambry Genetics
Classification: Uncertain significance for Cardiovascular phenotype. Last evaluated: 2025-06-16. Review status: criteria provided, single submitter. Criteria: Ambry Variant Classification Scheme 2023. Collection method: clinical testing. Allele origin: germline.
Comment: The p.C500R variant (also known as c.1498T>C), located in coding exon 17 of the TXNRD2 gene, results from a T to C substitution at nucleotide position 1498. The cysteine at codon 500 is replaced by arginine, an amino acid with highly dissimilar properties. This amino acid position is highly conserved in available vertebrate species. In addition, this alteration is predicted to be deleterious by in silico analysis. Since supporting evidence is limited at this time, the clinical significance of this alteration remains unclear.

Labcorp Genetics (formerly Invitae), Labcorp
Classification: Uncertain significance for Primary dilated cardiomyopathy. Last evaluated: 2024-03-21. Review status: criteria provided, single submitter. Criteria: Invitae Variant Classification Sherloc (09022015). Collection method: clinical testing. Allele origin: germline.
Comment: This sequence change replaces cysteine, which is neutral and slightly polar, with arginine, which is basic and polar, at codon 500 of the TXNRD2 protein (p.Cys500Arg). This variant is not present in population databases (gnomAD no frequency). This variant has not been reported in the literature in individuals affected with TXNRD2-related conditions. ClinVar contains an entry for this variant (Variation ID: 1773930). Advanced modeling of protein sequence and biophysical properties (such as structural, functional, and spatial information, amino acid conservation, physicochemical variation, residue mobility, and thermodynamic stability) performed at Invitae indicates that this missense variant is not expected to disrupt TXNRD2 protein function with a negative predictive value of 80%. In summary, the available evidence is currently insufficient to determine the role of this variant in disease. Therefore, it has been classified as a Variant of Uncertain Significance.

NM_006440.5(TXNRD2):c.1498T>C (p.Cys500Arg)

Gene: TXNRD2 (thioredoxin reductase 2; minus strand). Cytogenetic location: 22q11.21.
Variant type: single nucleotide variant.
Coding change: c.1498T>C on transcript NM_006440.5 (MANE Select); coding-DNA position 1498, T replaced by C.
Protein change: p.Cys500Arg; replaces cysteine 500 with arginine.
Molecular consequence: missense variant. On other transcripts: non-coding transcript variant (1).
Genome position (GRCh38, 1-based): chr22:19,877,182, A>G on the plus strand (T>C on the coding strand, the complement: TXNRD2 is on the minus strand). VCF-style: chr22-19877182-A-G. GRCh37 (hg19) VCF-style: chr22-19864705-A-G.
Other names: c.1495T>C, p.Cys499Arg (NM_001352300.2); c.1408T>C, p.Cys470Arg (NM_001352301.2); c.1210T>C, p.Cys404Arg (NM_001352302.2); short protein forms C404R, C499R, C470R, C500R.
Identifiers: ClinVar variation 1773930 (VCV001773930.6), dbSNP rs374967343, ClinGen allele CA322074817.